The following is an entry in ClinVar:

NM_003002.4(SDHD):c.388G>C (p.Ala130Pro)

Gene: SDHD (succinate dehydrogenase complex subunit D; plus strand). Cytogenetic location: 11q23.1.
Variant type: single nucleotide variant.
Coding change: c.388G>C on transcript NM_003002.4 (MANE Select); coding-DNA position 388, G replaced by C.
Protein change: p.Ala130Pro; replaces alanine 130 with proline.
Molecular consequence: missense variant. On other transcripts: 3 prime UTR variant (1), non-coding transcript variant (1).
Genome position (GRCh38, 1-based): chr11:112,094,878, G>C. VCF-style: chr11-112094878-G-C. GRCh37 (hg19) VCF-style: chr11-111965602-G-C.
Other names: c.243G>C, p.Trp81Cys (NM_001276503.2); c.271G>C, p.Ala91Pro (NM_001276504.2); c.*86G>C (NM_001276506.2); c.388G>C (NM_003002.2); short protein forms A130P, W81C, A91P.
Identifiers: ClinVar variation 566026 (VCV000566026.13), dbSNP rs1312671864, ClinGen allele CA382619147.

ClinVar aggregate classification (germline): Uncertain significance. Review status: criteria provided, multiple submitters, no conflicts (2 of 4 stars). 7 submissions from 7 submitters: Uncertain significance (6). 1 of the submissions does not count toward it. Last evaluated 2025-11-12.

Conditions:
Carney-Stratakis syndrome. Also called: PARAGANGLIOMA AND GASTROINTESTINAL STROMAL TUMOR. Identifiers: Orphanet 97286, MedGen C1847319, MONDO:0011740, OMIM 606864.
Paragangliomas with sensorineural hearing loss. Identifiers: MedGen C1868633.
Cowden syndrome 3 (CWS3). Identifiers: Orphanet 201, MedGen CN166604, MONDO:0014045.
Pheochromocytoma. Also called: MAX-Related Hereditary Paraganglioma-Pheochromocytoma Syndrome. Identifiers: Orphanet 29072, MedGen C0031511, MONDO:0008233, OMIM 171300, HP:0002666.
Mitochondrial complex 2 deficiency, nuclear type 3. Also called: MITOCHONDRIAL COMPLEX II DEFICIENCY, NUCLEAR TYPE 3. Identifiers: MedGen C5436934, MONDO:0030937, OMIM 619167.
Hereditary pheochromocytoma and paraganglioma. Also called: Hereditary Paraganglioma-Pheochromocytoma Syndromes; Hereditary paragangliomas and pheochromocytomas; Hereditary pheochromocytoma-paraganglioma. Identifiers: Orphanet 29072, MedGen C4274332, MONDO:0017366.
Hereditary cancer-predisposing syndrome. Also called: Neoplastic Syndromes, Hereditary; Hereditary Cancer Syndrome; Tumor predisposition; Hereditary neoplastic syndrome. Identifiers: Orphanet 140162, MedGen C0027672, MeSH D009386, MONDO:0015356.
SDHD-related disorder. Also called: SDHD-related condition.

Allele frequency attached by ClinVar (database versions not stated): TOPMed below 0.00001; gnomAD 0.00001.

Submissions (7):

Labcorp Genetics (formerly Invitae), Labcorp
Classification: Uncertain significance for Carney-Stratakis syndrome; Paragangliomas with sensorineural hearing loss; Pheochromocytoma; Cowden syndrome 3. Last evaluated: 2025-11-12. Review status: criteria provided, single submitter. Criteria: Invitae Variant Classification Sherloc (09022015). Collection method: clinical testing. Allele origin: germline.
Comment: This sequence change replaces alanine, which is neutral and non-polar, with proline, which is neutral and non-polar, at codon 130 of the SDHD protein (p.Ala130Pro). This variant is not present in population databases (gnomAD no frequency). This variant has not been reported in the literature in individuals affected with SDHD-related conditions. ClinVar contains an entry for this variant (Variation ID: 566026). Invitae Evidence Modeling of protein sequence and biophysical properties (such as structural, functional, and spatial information, amino acid conservation, physicochemical variation, residue mobility, and thermodynamic stability) indicates that this missense variant is expected to disrupt SDHD protein function with a positive predictive value of 95%. In summary, the available evidence is currently insufficient to determine the role of this variant in disease. Therefore, it has been classified as a Variant of Uncertain Significance.

Color Diagnostics, LLC DBA Color Health
Classification: Uncertain significance for Hereditary pheochromocytoma and paraganglioma. Last evaluated: 2025-08-25. Review status: criteria provided, single submitter. Criteria: ACMG Guidelines, 2015. Collection method: clinical testing. Allele origin: germline.
Comment: This missense variant replaces alanine with proline at codon 130 of the SDHD protein. Computational prediction is inconclusive regarding the impact of this variant on protein structure and function. To our knowledge, functional studies have not been reported for this variant. This variant has not been reported in individuals affected with SDHD-related disorders in the literature. This variant has not been identified in the general population by the Genome Aggregation Database (gnomAD). The available evidence is insufficient to determine the role of this variant in disease conclusively. Therefore, this variant is classified as a Variant of Uncertain Significance.

GeneDx
Classification: Uncertain significance. Last evaluated: 2025-01-27. Review status: criteria provided, single submitter. Criteria: GeneDx Variant Classification Process June 2021. Collection method: clinical testing. Allele origin: germline. Affected: yes.
Comment: Not observed at significant frequency in large population cohorts (gnomAD); In silico analysis supports that this missense variant has a deleterious effect on protein structure/function; Has not been previously published as pathogenic or benign to our knowledge

Ambry Genetics
Classification: Uncertain significance for Hereditary cancer-predisposing syndrome. Last evaluated: 2024-07-22. Review status: criteria provided, single submitter. Criteria: Ambry Variant Classification Scheme 2023. Collection method: clinical testing. Allele origin: germline.
Comment: The p.A130P variant (also known as c.388G>C), located in coding exon 4 of the SDHD gene, results from a G to C substitution at nucleotide position 388. The alanine at codon 130 is replaced by proline, an amino acid with highly similar properties. This amino acid position is not well conserved in available vertebrate species. In addition, this alteration is predicted to be deleterious by in silico analysis. Based on the available evidence, the clinical significance of this variant remains unclear.

Baylor Genetics
Classification: Uncertain significance for Mitochondrial complex 2 deficiency, nuclear type 3. Last evaluated: 2024-03-25. Review status: criteria provided, single submitter. Criteria: ACMG Guidelines, 2015. Collection method: clinical testing. Allele origin: unknown.

All of Us Research Program, National Institutes of Health
Classification: Uncertain significance for Hereditary pheochromocytoma and paraganglioma. Last evaluated: 2023-12-01. Review status: criteria provided, single submitter. Criteria: ACMG Guidelines, 2015. Collection method: clinical testing. Allele origin: germline. Inheritance: Autosomal dominant inheritance. Observed: 1 variant allele, 1 heterozygote.
Comment: This study involves interpretation of variants in research participants for the purpose of population health screening. Participant phenotype was not available at the time of variant classification. Additional details can be found in publication PMID: 35346344, PMCID: PMC8962531

PreventionGenetics, part of Exact Sciences
Classification: Uncertain significance for SDHD-related condition. Last evaluated: 2024-01-26. Review status: no assertion criteria provided. Collection method: clinical testing. Allele origin: germline. Not counted in ClinVar's aggregate classification.
Comment: The SDHD c.388G>C variant is predicted to result in the amino acid substitution p.Ala130Pro. To our knowledge, this variant has not been reported in the literature or in a large population database, indicating this variant is rare. It is interpreted as uncertain significance in ClinVar. At this time, the clinical significance of this variant is uncertain due to the absence of conclusive functional and genetic evidence.